The following is an entry in ClinVar:

ClinVar aggregate classification (germline): Pathogenic/Likely pathogenic. Review status: criteria provided, multiple submitters, no conflicts (2 of 4 stars). 11 submissions from 10 submitters: Pathogenic (7); Likely pathogenic (3). 1 of the submissions does not count toward it. Last evaluated 2025-04-30.

Conditions:
ISPD-related disorder.
Autosomal recessive limb-girdle muscular dystrophy type 2U. Also called: MUSCULAR DYSTROPHY, LIMB-GIRDLE, TYPE 2U; Muscular dystrophy-dystroglycanopathy (limb-girdle), type c, 7. Identifiers: Orphanet 352479, MedGen C5190987, MONDO:0014474, OMIM 616052.
Muscular dystrophy-dystroglycanopathy (congenital with brain and eye anomalies), type A, 7. Also called: Congenital muscular dystrophy-dystroglycanopathy with brain and eye anomalies, type A7; WALKER-WARBURG SYNDROME OR MUSCLE-EYE-BRAIN DISEASE, ISPD-RELATED. Identifiers: Orphanet 899, MedGen C3553330, MONDO:0013835, OMIM 614643.
Muscular dystrophy-dystroglycanopathy (congenital with brain and eye anomalies), type a, 8 (MDDGA8). Also called: WALKER-WARBURG SYNDROME OR MUSCLE-EYE-BRAIN DISEASE, GTDC2-RELATED. Identifiers: Orphanet 899, MedGen C3553813, MONDO:0013904, OMIM 614830.

Submissions (11):

Labcorp Genetics (formerly Invitae), Labcorp
Classification: Pathogenic for Muscular dystrophy-dystroglycanopathy (congenital with brain and eye anomalies), type A, 7; Autosomal recessive limb-girdle muscular dystrophy type 2U. Last evaluated: 2025-04-30. Review status: criteria provided, single submitter. Criteria: Invitae Variant Classification Sherloc (09022015). Collection method: clinical testing. Allele origin: germline.
Comment: This variant, c.1114_1116del, results in the deletion of 1 amino acid(s) of the ISPD protein (p.Val372del), but otherwise preserves the integrity of the reading frame. The frequency data for this variant in the population databases is considered unreliable, as metrics indicate poor data quality at this position in the gnomAD database. This variant has been observed in individual(s) with ISPD-related conditions (PMID: 23288328, 23390185, 27234031, 31127727). In at least one individual the data is consistent with being in trans (on the opposite chromosome) from a pathogenic variant. It has also been observed to segregate with disease in related individuals. ClinVar contains an entry for this variant (Variation ID: 156455). Experimental studies and prediction algorithms are not available or were not evaluated, and the functional significance of this variant is currently unknown. For these reasons, this variant has been classified as Pathogenic.

Blueprint Genetics
Classification: Pathogenic for ISPD-related disorders. Last evaluated: 2024-11-18. Review status: criteria provided, single submitter. Criteria: ACMG Guidelines, 2015. Collection method: clinical testing. Allele origin: germline. Affected: yes. Observed: 5 variant alleles.

3billion
Classification: Pathogenic for Muscular dystrophy-dystroglycanopathy (congenital with brain and eye anomalies), type A, 7. Last evaluated: 2024-06-07. Review status: criteria provided, single submitter. Criteria: ACMG Guidelines, 2015. Collection method: clinical testing. Allele origin: germline. Affected: yes.
Comment: The variant is observed at an extremely low frequency in the gnomAD v4.0.0 dataset (total allele frequency: 0.003%). Predicted Consequence/Location: Inframe deletion located in a nonrepeat region: predicted to change the length of the protein and disrupt normal protein function. The variant has been reported to be in trans with a pathogenic variant as either compound heterozygous or homozygous in at least one similarly affected unrelated individual (PMID: 27234031). The variant has been reported to co-segregate with the disease in at least one similarly affected relative/individual in the same family or similarly affected unrelated family (PMID: 23390185). The variant has been reported at least twice as pathogenic with clinical assertions and evidence for the classification (ClinVar ID: VCV000156455 /PMID: 23288328). Therefore, this variant is classified as Pathogenic according to the recommendation of ACMG/AMP guideline.

GeneDx
Classification: Pathogenic. Last evaluated: 2023-09-07. Review status: criteria provided, single submitter. Criteria: GeneDx Variant Classification Process June 2021. Collection method: clinical testing. Allele origin: germline. Affected: yes.
Comment: Not observed at significant frequency in large population cohorts (gnomAD); In-frame deletion of 1 amino acid in a non-repeat region; In silico analysis supports a deleterious effect on protein structure/function; Also known as ISPD c.1114_1116del p.(Val372del); This variant is associated with the following publications: (PMID: 23288328, 34485198, 27234031, 23390185, 31127727, 30708323, 31375477, 37526466, 34307571)

Revvity Omics, Revvity
Classification: Likely pathogenic. Last evaluated: 2022-04-01. Review status: criteria provided, single submitter. Criteria: ACMG Guidelines, 2015. Collection method: clinical testing. Allele origin: germline.

CeGaT Center for Human Genetics Tuebingen
Classification: Pathogenic. Last evaluated: 2019-04-01. Review status: criteria provided, single submitter. Criteria: CeGaT Center For Human Genetics Tuebingen Variant Classification Criteria Version 2. Collection method: clinical testing. Allele origin: germline. Affected: yes. Observed: 1 variant allele.

Genomic Research Center, Shahid Beheshti University of Medical Sciences
Classification: Likely pathogenic for Muscular dystrophy-dystroglycanopathy (congenital with brain and eye anomalies), type a, 8. Last evaluated: 2018-08-07. Review status: criteria provided, single submitter. Criteria: ACMG Guidelines, 2015. Collection method: clinical testing. Allele origin: inherited. Affected: yes. Observed: 1 variant allele.

Genomic Research Center, Shahid Beheshti University of Medical Sciences
Classification: Likely pathogenic for Muscular dystrophy-dystroglycanopathy (limb-girdle), type c, 7. Last evaluated: 2018-08-07. Review status: criteria provided, single submitter. Criteria: ACMG Guidelines, 2015. Collection method: clinical testing. Allele origin: inherited. Affected: yes. Observed: 1 variant allele.

Eurofins Ntd Llc (ga)
Classification: Pathogenic. Last evaluated: 2015-10-27. Review status: criteria provided, single submitter. Criteria: EGL Classification Definitions 2015. Collection method: clinical testing. Allele origin: germline. Observed: 3 variant alleles, 2 heterozygotes, 1 homozygote.

Juno Genomics, Hangzhou Juno Genomics, Inc
Classification: Pathogenic for Muscular dystrophy-dystroglycanopathy (congenital with brain and eye anomalies), type A, 7; Autosomal recessive limb-girdle muscular dystrophy type 2U. Review status: criteria provided, single submitter. Criteria: ACMG Guidelines, 2015. Collection method: clinical testing. Allele origin: germline.
Comment: Absent from controls (or at extremely low frequency if recessive) in Genome Aggregation Database.;Protein length changes due to in-frame deletions/insertions in a non-repeat region or stop-loss variants.;For recessive disorders, detected in trans with a pathogenic variant.;Patient's phenotype or family history is highly specific for a disease with a single genetic etiology.

OMIM
Classification: Pathogenic for MUSCULAR DYSTROPHY-DYSTROGLYCANOPATHY (LIMB-GIRDLE), TYPE C, 7. Last evaluated: 2013-03-05. Review status: no assertion criteria provided. Collection method: literature only. Allele origin: germline. Not counted in ClinVar's aggregate classification.

Literature cited by the submitters: PubMed 23288328 (cited by Labcorp Genetics (formerly Invitae), Labcorp and 3billion); PubMed 23390185 (cited by 3 submitters); PubMed 27234031 (cited by Labcorp Genetics (formerly Invitae), Labcorp and 3billion); PubMed 31127727 (cited by Labcorp Genetics (formerly Invitae), Labcorp).

NM_001101426.4(CRPPA):c.1105GTT[3] (p.Val372del)

Genes: CRPPA (CDP-L-ribitol pyrophosphorylase A; minus strand), CRPPA-AS1 (CRPPA antisense RNA 1; plus strand). Cytogenetic location: 7p21.2.
Variant type: Microsatellite.
Coding change: c.1105GTT[3] on transcript NM_001101426.4 (MANE Select); three copies in a row of the 3-base unit GTT starting at c.1105; the reference has four copies in a row; one copy, 3 bases deleted; also written c.1114_1116del.
Protein change: p.Val372del; deletes valine 372.
Molecular consequence: inframe deletion. On other transcripts: non-coding transcript variant (1).
Genome position (GRCh38, 1-based): chr7:16,258,393-16,258,395, AAC deleted on the plus strand (GTT on the coding strand, the reverse complement: CRPPA is on the minus strand); deleting any 3 consecutive bases within chr7:16,258,393-16,258,405 gives the same sequence; the position shown is the placement nearest the transcript's 3' end. VCF-style (leftmost placement, unchanged base first): chr7-16258392-AAAC-A. GRCh37 (hg19) VCF-style: chr7-16298017-AAAC-A.
Other names: c.955GTT[3], p.Val322del (NM_001101417.4); c.1000GTT[3], p.Val337del (NM_001368197.1); c.1114_1116delGTT (NM_001101426.3); c.1114_1116del (NM_001101426.4, NM_001101426.3); short protein forms V372del, V322del, V337del.
Identifiers: ClinVar variation 156455 (VCV000156455.60), dbSNP rs587777798, ClinGen allele CA170897.